The following is an entry in ClinVar:

NM_181507.2(HPS5):c.3097C>T (p.Leu1033Phe)

Gene: HPS5 (HPS5 biogenesis of lysosomal organelles complex 2 subunit 2; minus strand). Cytogenetic location: 11p15.1.
Variant type: single nucleotide variant.
Coding change: c.3097C>T on transcript NM_181507.2 (MANE Select); coding-DNA position 3097, C replaced by T.
Protein change: p.Leu1033Phe; replaces leucine 1033 with phenylalanine.
Molecular consequence: missense variant.
Genome position (GRCh38, 1-based): chr11:18,282,182, G>A on the plus strand (C>T on the coding strand, the complement: HPS5 is on the minus strand). VCF-style: chr11-18282182-G-A. GRCh37 (hg19) VCF-style: chr11-18303729-G-A.
Other names: c.2755C>T, p.Leu919Phe (NM_007216.4, NM_181508.2); short protein forms L1033F, L919F.
Identifiers: ClinVar variation 1475980 (VCV001475980.6), dbSNP rs145096977, ClinGen allele CA5909641.

ClinVar aggregate classification (germline): Uncertain significance. Review status: criteria provided, multiple submitters, no conflicts (2 of 4 stars). 3 submissions from 3 submitters: Uncertain significance (3). Last evaluated 2025-03-25.

Conditions:
Inborn genetic diseases. Identifiers: MedGen C0950123, MeSH D030342.

Allele frequency attached by ClinVar (database versions not stated): gnomAD exomes 0.00011 and 0.00008; ExAC 0.00012; ESP Exome Variant Server 0.00023; 1000 Genomes Project 0.00040; gnomAD 0.00040 and 0.00043; TOPMed 0.00045; 1000 Genomes Project 30x 0.00047.
gnomAD v4.1: 206 of 1,614,142 alleles (0.013%); highest among the groups gnomAD compares: African/African-American, 0.17%; 2 homozygotes.

Submissions (3):

GeneDx
Classification: Uncertain significance. Last evaluated: 2025-03-25. Review status: criteria provided, single submitter. Criteria: GeneDx Variant Classification Process June 2021. Collection method: clinical testing. Allele origin: germline. Affected: yes.
Comment: In silico analysis supports that this missense variant has a deleterious effect on protein structure/function; Has not been previously published as pathogenic or benign to our knowledge; In silico analysis suggests this variant may impact gene splicing. In the absence of RNA/functional studies, the actual effect of this sequence change is unknown.

Labcorp Genetics (formerly Invitae), Labcorp
Classification: Uncertain significance. Last evaluated: 2025-01-13. Review status: criteria provided, single submitter. Criteria: Invitae Variant Classification Sherloc (09022015). Collection method: clinical testing. Allele origin: germline.
Comment: This sequence change replaces leucine, which is neutral and non-polar, with phenylalanine, which is neutral and non-polar, at codon 1033 of the HPS5 protein (p.Leu1033Phe). This variant is present in population databases (rs145096977, gnomAD 0.1%). This variant has not been reported in the literature in individuals affected with HPS5-related conditions. ClinVar contains an entry for this variant (Variation ID: 1475980). An algorithm developed to predict the effect of missense changes on protein structure and function (PolyPhen-2) suggests that this variant is likely to be disruptive. In summary, the available evidence is currently insufficient to determine the role of this variant in disease. Therefore, it has been classified as a Variant of Uncertain Significance.

Ambry Genetics
Classification: Uncertain significance for Inborn genetic diseases. Last evaluated: 2021-08-10. Review status: criteria provided, single submitter. Criteria: Ambry Variant Classification Scheme 2023. Collection method: clinical testing. Allele origin: germline.